The following is an entry in ClinVar:

ClinVar aggregate classification (germline): Conflicting classifications of pathogenicity. Review status: criteria provided, conflicting classifications (1 of 4 stars). 3 submissions from 3 submitters: Uncertain significance (2); Likely benign (1). Last evaluated 2025-12-10.

Conditions:
Inborn genetic diseases. Identifiers: MedGen C0950123, MeSH D030342.

Allele frequency attached by ClinVar (database versions not stated): ExAC 0.00001; gnomAD 0.00001; TOPMed 0.00002.
gnomAD v4.1: 20 of 1,613,654 alleles (0.0012%); highest among the groups gnomAD compares: African/African-American, 0.0027%; no homozygotes.

Submissions (3):

Mayo Clinic Laboratories, Mayo Clinic
Classification: Uncertain significance. Last evaluated: 2025-12-10. Review status: criteria provided, single submitter. Criteria: ACMG Guidelines, 2015. Collection method: clinical testing. Allele origin: germline. Observed: 1 variant allele.
Comment: BP4_moderate, PM2_supporting

Blueprint Genetics
Classification: Uncertain significance. Last evaluated: 2024-10-03. Review status: criteria provided, single submitter. Criteria: ACMG Guidelines, 2015. Collection method: clinical testing. Allele origin: germline.

Ambry Genetics
Classification: Likely benign for Inborn genetic diseases. Last evaluated: 2023-06-01. Review status: criteria provided, single submitter. Criteria: Ambry Variant Classification Scheme 2023. Collection method: clinical testing. Allele origin: germline.

NM_006846.4(SPINK5):c.2549G>A (p.Arg850His)

Gene: SPINK5 (serine peptidase inhibitor Kazal type 5; plus strand). Cytogenetic location: 5q32.
Variant type: single nucleotide variant.
Coding change: c.2549G>A on transcript NM_006846.4 (MANE Select); coding-DNA position 2549, G replaced by A.
Protein change: p.Arg850His; replaces arginine 850 with histidine.
Molecular consequence: missense variant.
Genome position (GRCh38, 1-based): chr5:148,123,843, G>A. VCF-style: chr5-148123843-G-A. GRCh37 (hg19) VCF-style: chr5-147503406-G-A.
Other names: p.Arg850His; c.2549G>A, p.Arg850His (NM_001127698.2, NM_001127699.2); short protein forms R850H.
Identifiers: ClinVar variation 2517655 (VCV002517655.4), dbSNP rs757299831, ClinGen allele CA3496036.